The following is an entry in ClinVar:

NM_006086.4(TUBB3):c.1343G>A (p.Gly448Asp)

Gene: TUBB3 (tubulin beta 3 class III; plus strand). Cytogenetic location: 16q24.3.
Variant type: single nucleotide variant.
Coding change: c.1343G>A on transcript NM_006086.4 (MANE Select); coding-DNA position 1343, G replaced by A.
Protein change: p.Gly448Asp; replaces glycine 448 with aspartic acid.
Molecular consequence: missense variant.
Genome position (GRCh38, 1-based): chr16:89,935,794, G>A. VCF-style: chr16-89935794-G-A. GRCh37 (hg19) VCF-style: chr16-90002202-G-A.
Other names: c.1127G>A, p.Gly376Asp (NM_001197181.2); c.1343G>A (NM_006086.3); short protein forms G376D, G448D.
Identifiers: ClinVar variation 2431344 (VCV002431344.3), dbSNP rs1351575041, ClinGen allele CA397477286.

ClinVar aggregate classification (germline): Uncertain significance. Review status: criteria provided, multiple submitters, no conflicts (2 of 4 stars). 2 submissions from 2 submitters: Uncertain significance (2). Last evaluated 2023-03-01.

Conditions:
Complex cortical dysplasia with other brain malformations 1. Identifiers: Orphanet 300570, MedGen C3808397, MONDO:0013541, OMIM 614039.
TUBB3-related disorder. Also called: TUBB3-related condition; TUBB3-related disorders.

gnomAD v4.1: 2 of 1,613,018 alleles (0.00012%); highest among the groups gnomAD compares: Non-Finnish European, 0.00017%; no homozygotes.

Submissions (2):

Institute of Human Genetics, University of Goettingen
Classification: Uncertain significance for Complex cortical dysplasia with other brain malformations 1. Last evaluated: 2023-03-01. Review status: criteria provided, single submitter. Criteria: ACMG Guidelines, 2015. Collection method: clinical testing. Allele origin: unknown. Inheritance: Sporadic. Observed: 1 heterozygote.
Comment: The variant c.1343G>A (p.(Gly448Asp)) in exon 4 of the TUBB3-gene is not found in the gnomAD database, it affects a moderately conserved nucleotide, a highly conserved amino acid and there is a moderate physicochemical difference between Gly and Asp. ACMG criteria used for classification: PM2, PP2.

PreventionGenetics, part of Exact Sciences
Classification: Uncertain significance for TUBB3-related condition. Last evaluated: 2023-02-03. Review status: criteria provided, single submitter. Criteria: ACMG Guidelines, 2015. Collection method: clinical testing. Allele origin: germline.
Comment: The TUBB3 c.1343G>A variant is predicted to result in the amino acid substitution p.Gly448Asp. To our knowledge, this variant has not been reported in the literature or in a large population database, indicating this variant is rare. At this time, the clinical significance of this variant is uncertain due to the absence of conclusive functional and genetic evidence.